The following is an entry in ClinVar:

NM_001365999.1(SZT2):c.4483G>T (p.Asp1495Tyr)

Gene: SZT2 (SZT2 subunit of KICSTOR complex; plus strand). Cytogenetic location: 1p34.2.
Variant type: single nucleotide variant.
Coding change: c.4483G>T on transcript NM_001365999.1 (MANE Select); coding-DNA position 4483, G replaced by T.
Protein change: p.Asp1495Tyr; replaces aspartic acid 1495 with tyrosine.
Molecular consequence: missense variant.
Genome position (GRCh38, 1-based): chr1:43,430,498, G>T. VCF-style: chr1-43430498-G-T. GRCh37 (hg19) VCF-style: chr1-43896169-G-T.
Other names: c.4312G>T, p.Asp1438Tyr (NM_015284.4); short protein forms D1495Y, D1438Y.
Identifiers: ClinVar variation 947427 (VCV000947427.7), dbSNP rs373556730, ClinGen allele CA809319.

ClinVar aggregate classification (germline): Uncertain significance. Review status: criteria provided, multiple submitters, no conflicts (2 of 4 stars). 2 submissions from 2 submitters: Uncertain significance (2). Last evaluated 2024-03-12.

Conditions:
Inborn genetic diseases. Identifiers: MedGen C0950123, MeSH D030342.

Allele frequency attached by ClinVar (database versions not stated): ExAC 0.00001; gnomAD exomes 0.00002; gnomAD 0.00003; TOPMed 0.00003; ESP Exome Variant Server 0.00008.
gnomAD v4.1: 39 of 1,613,810 alleles (0.0024%); highest among the groups gnomAD compares: Non-Finnish European, 0.0032%; no homozygotes.

Submissions (2):

Ambry Genetics
Classification: Uncertain significance for Inborn genetic diseases. Last evaluated: 2024-03-12. Review status: criteria provided, single submitter. Criteria: Ambry Variant Classification Scheme 2023. Collection method: clinical testing. Allele origin: germline.

Labcorp Genetics (formerly Invitae), Labcorp
Classification: Uncertain significance. Last evaluated: 2022-11-01. Review status: criteria provided, single submitter. Criteria: Invitae Variant Classification Sherloc (09022015). Collection method: clinical testing. Allele origin: germline.
Comment: This sequence change replaces aspartic acid, which is acidic and polar, with tyrosine, which is neutral and polar, at codon 1438 of the SZT2 protein (p.Asp1438Tyr). This variant is present in population databases (rs373556730, gnomAD 0.004%). This variant has not been reported in the literature in individuals affected with SZT2-related conditions. ClinVar contains an entry for this variant (Variation ID: 947427). Algorithms developed to predict the effect of missense changes on protein structure and function are either unavailable or do not agree on the potential impact of this missense change (SIFT: "Deleterious"; PolyPhen-2: "Probably Damaging"; Align-GVGD: "Class C15"). In summary, the available evidence is currently insufficient to determine the role of this variant in disease. Therefore, it has been classified as a Variant of Uncertain Significance.